The following is an entry in ClinVar:

NM_012471.3(TRPC5):c.78G>A (p.Glu26=)

Gene: TRPC5 (transient receptor potential cation channel subfamily C member 5; minus strand). Cytogenetic location: Xq23.
Variant type: single nucleotide variant.
Coding change: c.78G>A on transcript NM_012471.3 (MANE Select); coding-DNA position 78, G replaced by A.
Protein change: p.Glu26=; no amino-acid change (glutamic acid 26 retained).
Molecular consequence: synonymous variant.
Genome position (GRCh38, 1-based): chrX:111,952,343, C>T on the plus strand (G>A on the coding strand, the complement: TRPC5 is on the minus strand). VCF-style: chrX-111952343-C-T. GRCh37 (hg19) VCF-style: chrX-111195571-C-T.
Identifiers: ClinVar variation 3353834 (VCV003353834.1).

ClinVar aggregate classification (germline): Likely benign (0 of 4 stars; one submission).

Conditions:
TRPC5-related disorder. Also called: TRPC5-related condition.

gnomAD v4.1: 3 of 1,210,436 alleles (0.00025%); highest among the groups gnomAD compares: Admixed American, 0.0065%; no homozygotes.

Submission:

PreventionGenetics, part of Exact Sciences
Classification: Likely benign for TRPC5-related condition. Last evaluated: 2024-03-22. Review status: no assertion criteria provided. Collection method: clinical testing. Allele origin: germline.
Comment: This variant is classified as likely benign based on ACMG/AMP sequence variant interpretation guidelines (Richards et al. 2015 PMID: 25741868, with internal and published modifications).